The following is an entry in ClinVar:

NM_004260.4(RECQL4):c.2307_2309dup (p.Ala770dup)

Gene: RECQL4 (RecQ like helicase 4; minus strand). Cytogenetic location: 8q24.3.
Variant type: Duplication.
Coding change: c.2307_2309dup on transcript NM_004260.4 (MANE Select); coding-DNA positions 2307 to 2309, 3 bases duplicated (GGC; older notation c.2307_2309dupGGC).
Protein change: p.Ala770dup; duplicates alanine 770.
Molecular consequence: inframe insertion.
Genome position (GRCh38, 1-based): chr8:144,513,372-144,513,374, GCC duplicated on the plus strand (GGC on the coding strand, the reverse complement: RECQL4 is on the minus strand). VCF-style (leftmost placement, unchanged base first): chr8-144513371-G-GGCC. GRCh37 (hg19) VCF-style: chr8-145738754-G-GGCC.
Identifiers: ClinVar variation 459392 (VCV000459392.6), dbSNP rs748979321, ClinGen allele CA187682519.

ClinVar aggregate classification (germline): Uncertain significance (1 of 4 stars; one submission).

Conditions:
Baller-Gerold syndrome (BGS). Also called: CRANIOSYNOSTOSIS WITH RADIAL DEFECTS. Identifiers: Orphanet 1225, MedGen C0265308, MONDO:0009039, OMIM 218600.

Allele frequency attached by ClinVar (database versions not stated): gnomAD exomes 0.00002; gnomAD 0.00003; TOPMed 0.00003.

Submission:

Labcorp Genetics (formerly Invitae), Labcorp
Classification: Uncertain significance for Baller-Gerold syndrome. Last evaluated: 2024-11-20. Review status: criteria provided, single submitter. Criteria: Invitae Variant Classification Sherloc (09022015). Collection method: clinical testing. Allele origin: germline.
Comment: This variant, c.2307_2309dup, results in the insertion of 1 amino acid(s) of the RECQL4 protein (p.Ala770dup), but otherwise preserves the integrity of the reading frame. This variant is not present in population databases (gnomAD no frequency). This variant has been observed in individual(s) with advanced cancer (PMID: 26556299). ClinVar contains an entry for this variant (Variation ID: 459392). In summary, the available evidence is currently insufficient to determine the role of this variant in disease. Therefore, it has been classified as a Variant of Uncertain Significance.

Literature cited by the submitters: PubMed 26556299.